The following is an entry in ClinVar:

ClinVar aggregate classification (germline): Conflicting classifications of pathogenicity. Review status: criteria provided, conflicting classifications (1 of 4 stars). 2 submissions from 2 submitters: Likely pathogenic (1); Uncertain significance (1). Last evaluated 2016-11-14.

Conditions:
Inborn genetic diseases. Identifiers: MedGen C0950123, MeSH D030342.

Submissions (2):

Ambry Genetics
Classification: Uncertain significance for Inborn genetic diseases. Last evaluated: 2016-11-14. Review status: criteria provided, single submitter. Criteria: Ambry exome assertion method (8-5-2015). Collection method: clinical testing. Allele origin: germline. Affected: yes. Observed: 1 variant allele.

GeneDx
Classification: Likely pathogenic. Last evaluated: 2016-11-09. Review status: criteria provided, single submitter. Criteria: GeneDx Variant Classification (06012015). Collection method: clinical testing. Allele origin: germline. Affected: yes.
Comment: The G409D variant in the DDX3X gene has not been reported previously as a pathogenic variant, nor as a benign variant, to our knowledge. The G409D variant is not observed in large population cohorts (Lek et al., 2016; Exome Variant Server). The G409D variant is a non-conservative amino acid substitution, which is likely to impact secondary protein structure as these residues differ in polarity, charge, size and/or other properties. This substitution occurs at a position that is conserved across species. In silico analysis predicts this variant is probably damaging to the protein structure/function. The G409D variant is a strong candidate for a pathogenic variant

NM_001356.5(DDX3X):c.1226G>A (p.Gly409Asp)

Gene: DDX3X (DEAD-box helicase 3 X-linked; plus strand). Cytogenetic location: Xp11.4.
Variant type: single nucleotide variant.
Coding change: c.1226G>A on transcript NM_001356.5 (MANE Select); coding-DNA position 1226, G replaced by A.
Protein change: p.Gly409Asp; replaces glycine 409 with aspartic acid.
Molecular consequence: missense variant. On other transcripts: non-coding transcript variant (1).
Genome position (GRCh38, 1-based): chrX:41,345,459, G>A. VCF-style: chrX-41345459-G-A. GRCh37 (hg19) VCF-style: chrX-41204712-G-A.
Other names: c.1226G>A, p.Gly409Asp (NM_001193416.3); c.1178G>A, p.Gly393Asp (NM_001193417.3); c.668G>A, p.Gly223Asp (NM_001363819.1); short protein forms G409D, G393D, G223D.
Identifiers: ClinVar variation 390568 (VCV000390568.5), dbSNP rs1057523822, ClinGen allele CA16608470.